The following is an entry in ClinVar:

NM_004380.3(CREBBP):c.5785C>G (p.Pro1929Ala)

Gene: CREBBP (CREB binding protein; minus strand). Cytogenetic location: 16p13.3.
Variant type: single nucleotide variant.
Coding change: c.5785C>G on transcript NM_004380.3 (MANE Select); coding-DNA position 5785, C replaced by G.
Protein change: p.Pro1929Ala; replaces proline 1929 with alanine.
Molecular consequence: missense variant.
Genome position (GRCh38, 1-based): chr16:3,729,262, G>C on the plus strand (C>G on the coding strand, the complement: CREBBP is on the minus strand). VCF-style: chr16-3729262-G-C. GRCh37 (hg19) VCF-style: chr16-3779263-G-C.
Other names: c.5671C>G, p.Pro1891Ala (NM_001079846.1); short protein forms P1891A, P1929A.
Identifiers: ClinVar variation 2444750 (VCV002444750.1), dbSNP rs1451504925, ClinGen allele CA394555517.
Genomic context (GRCh38, chr16:3,729,262, plus strand): 5'-CCGGGGGTGGGGGGGCCGGCACCTGGCTGGTAGGCTTCCCTGTGGACACCGTGGTGGGGG[G>C]CTGAGTCCGGGCCACGCTGGGGAAGCCAGCTGGTGACATGCTCACGGGTGAGGGTTGGGG-3'
Protein context (NP_004371.2, residues 1919-1939): AGFPSVARTQ[Pro1929Ala]PTTVSTGKPT

ClinVar aggregate classification (germline): Uncertain significance (1 of 4 stars; one submission).

Submission:

GeneDx
Classification: Uncertain significance. Last evaluated: 2022-09-16. Review status: criteria provided, single submitter. Criteria: GeneDx Variant Classification Process June 2021. Collection method: clinical testing. Allele origin: germline. Affected: yes.
Comment: Not observed at significant frequency in large population cohorts (gnomAD); In silico analysis supports that this missense variant has a deleterious effect on protein structure/function; Has not been previously published as pathogenic or benign to our knowledge